The following is an entry in ClinVar:

NM_005609.4(PYGM):c.347T>C (p.Leu116Pro)

Gene: PYGM (glycogen phosphorylase, muscle associated; minus strand). Cytogenetic location: 11q13.1.
Variant type: single nucleotide variant.
Coding change: c.347T>C on transcript NM_005609.4 (MANE Select); coding-DNA position 347, T replaced by C.
Protein change: p.Leu116Pro; replaces leucine 116 with proline.
Molecular consequence: missense variant. On other transcripts: intron variant (1).
Genome position (GRCh38, 1-based): chr11:64,758,514, A>G on the plus strand (T>C on the coding strand, the complement: PYGM is on the minus strand). VCF-style: chr11-64758514-A-G. GRCh37 (hg19) VCF-style: chr11-64525986-A-G.
Other names: c.244-248T>C (NM_001164716.1); short protein forms L116P.
Identifiers: ClinVar variation 551567 (VCV000551567.14), dbSNP rs776680924, ClinGen allele CA6080276.
Genomic context (GRCh38, chr11:64,758,514, plus strand): 5'-CCCCCGTTGCCCAGCCCCGCATCCTCCTCAATTTCCTCCAGCTCCTCCATGTCCAGGCCC[A>G]GCTGGAGGAGTGAGGGTGACAGTGGTCAGGGTCAAGTGTCAGCAGTGGAATCCCCCAGTC-3'
Protein context (NP_005600.1, residues 106-126): ENACDEATYQ[Leu116Pro]GLDMEELEEI

ClinVar aggregate classification (germline): Pathogenic/Likely pathogenic. Review status: criteria provided, multiple submitters, no conflicts (2 of 4 stars). 7 submissions from 7 submitters: Pathogenic (2); Likely pathogenic (4). 1 of the submissions does not count toward it. Last evaluated 2026-01-12.

Conditions:
Glycogen storage disease, type V (GSD5). Also called: MCARDLE DISEASE; MUSCLE GLYCOGEN PHOSPHORYLASE DEFICIENCY; MYOPHOSPHORYLASE DEFICIENCY; McArdle type glycogen storage disease; PYGM DEFICIENCY. Identifiers: Orphanet 368, MedGen C0017924, MONDO:0009293, OMIM 232600.

Allele frequency attached by ClinVar (database versions not stated): gnomAD 0.00001 and 0.00002; ExAC 0.00002; gnomAD exomes 0.00002 and 0.00005; TOPMed 0.00003.
gnomAD v4.1: 34 of 1,613,938 alleles (0.0021%); highest among the groups gnomAD compares: East Asian, 0.0022%; no homozygotes.

Submissions (7):

Labcorp Genetics (formerly Invitae), Labcorp
Classification: Pathogenic for Glycogen storage disease, type V. Last evaluated: 2026-01-12. Review status: criteria provided, single submitter. Criteria: Invitae Variant Classification Sherloc (09022015). Collection method: clinical testing. Allele origin: germline.
Comment: This sequence change replaces leucine, which is neutral and non-polar, with proline, which is neutral and non-polar, at codon 116 of the PYGM protein (p.Leu116Pro). This variant is present in population databases (rs776680924, gnomAD 0.1%). This missense change has been observed in individual(s) with glycogen storage disease and/or McArdle disease (PMID: 10417800, 29143597, 30011114, 34215481; internal data). This variant is also known as L115P. ClinVar contains an entry for this variant (Variation ID: 551567). Invitae Evidence Modeling of protein sequence and biophysical properties (such as structural, functional, and spatial information, amino acid conservation, physicochemical variation, residue mobility, and thermodynamic stability) indicates that this missense variant is expected to disrupt PYGM protein function with a positive predictive value of 95%. For these reasons, this variant has been classified as Pathogenic.

Natera, Inc.
Classification: Likely pathogenic for Glycogen storage disease V. Last evaluated: 2025-11-24. Review status: criteria provided, single submitter. Criteria: Natera Variant Classification Schema (03/2026). Collection method: clinical testing. Allele origin: germline.
Comment: The c.347T>C variant in PYGM is a missense variant predicted to cause substitution of leucine to proline at amino acid 116. This variant is rare in the general population with a frequency below the threshold expected for the associated phenotype(s). This variant has been observed in one or more individuals affected with the associated recessive disease, as either homozygous or compound heterozygous with a second variant (PMID: 10417800, 29143597, 34534370). This variant has been identified in one or more affected individual with a phenotype highly consistent with the associated gene (PMID: 34215481, 10417800). Computational prediction algorithms indicate this variant is likely to affect gene or protein function. Given the available evidence, this variant is classified as Likely Pathogenic.

Myriad Genetics, Inc.
Classification: Likely pathogenic for Glycogen storage disease, type V. Last evaluated: 2025-10-25. Review status: criteria provided, single submitter. Criteria: Myriad Autosomal Dominant, Autosomal Recessive and X-Linked Classification Criteria (2023). Collection method: clinical testing. Allele origin: unknown.
Comment: NM_005609.2(PYGM):c.347T>C(L116P) is a missense variant classified as likely pathogenic in the context of glycogen storage disease, PYGM-related. L116P has been observed in cases with relevant disease (PMID: 29143597, 34215481, 10417800, 37688281, 40781467, 33234167). Relevant functional assessments of this variant are not available in the literature. Internal structural analysis of the variant is supportive of pathogenicity. L116P has been observed in referenced population frequency databases. In summary, NM_005609.2(PYGM):c.347T>C(L116P) is a missense variant that has internal structural support for pathogenicity and has been observed more frequently in cases with the relevant disease than in healthy populations. Please note: this variant was assessed in the context of healthy population screening.

Revvity Omics, Revvity
Classification: Likely pathogenic for Glycogen storage disease, type V. Last evaluated: 2025-08-12. Review status: criteria provided, single submitter. Criteria: ACMG Guidelines, 2015. Collection method: clinical testing. Allele origin: germline.

Fulgent Genetics
Classification: Likely pathogenic for Glycogen storage disease, type V. Last evaluated: 2024-05-31. Review status: criteria provided, single submitter. Criteria: ACMG Guidelines, 2015. Collection method: clinical testing. Allele origin: germline.

Baylor Genetics
Classification: Pathogenic for Glycogen storage disease, type V. Last evaluated: 2024-03-07. Review status: criteria provided, single submitter. Criteria: ACMG Guidelines, 2015. Collection method: clinical testing. Allele origin: unknown.

Counsyl
Classification: Uncertain significance for Glycogen storage disease, type V. Last evaluated: 2017-04-18. Review status: no assertion criteria provided. Collection method: clinical testing. Allele origin: unknown. Not counted in ClinVar's aggregate classification.

Literature cited by the submitters: PubMed 10417800 (cited by 4 submitters); PubMed 29143597 (cited by 3 submitters); PubMed 30011114 (cited by Labcorp Genetics (formerly Invitae), Labcorp); PubMed 34215481 (cited by 3 submitters); PubMed 34534370 (cited by Natera, Inc.); PubMed 33234167 (cited by Myriad Genetics, Inc.); PubMed 37688281 (cited by Myriad Genetics, Inc.); PubMed 40781467 (cited by Myriad Genetics, Inc.); PubMed 21802952 (cited by Counsyl).